The following is an entry in ClinVar:

NM_014951.3(ZNF365):c.552C>G (p.Thr184=)

Gene: ZNF365 (zinc finger protein 365; plus strand). Cytogenetic location: 10q21.2.
Variant type: single nucleotide variant.
Coding change: c.552C>G on transcript NM_014951.3 (MANE Select); coding-DNA position 552, C replaced by G.
Protein change: p.Thr184=; no amino-acid change (threonine 184 retained).
Molecular consequence: synonymous variant.
Genome position (GRCh38, 1-based): chr10:62,376,745, C>G. VCF-style: chr10-62376745-C-G. GRCh37 (hg19) VCF-style: chr10-64136504-C-G.
Other names: c.552C>G, p.Thr184= (NM_199450.3).
Identifiers: ClinVar variation 4681536 (VCV004681536.5).

ClinVar aggregate classification (germline): Likely benign (1 of 4 stars; one submission).

gnomAD v4.1: 47 of 1,614,064 alleles (0.0029%); highest among the groups gnomAD compares: Admixed American, 0.048%; no homozygotes.

Submission:

CeGaT Center for Human Genetics Tuebingen
Classification: Likely benign. Last evaluated: 2025-12-01. Review status: criteria provided, single submitter. Criteria: CeGaT Center For Human Genetics Tuebingen Variant Classification Criteria Version 2. Collection method: clinical testing. Allele origin: germline. Affected: yes. Observed: 1 variant allele.
Comment: ZNF365: BP4, BP7